The following is an entry in ClinVar:

NM_001079843.3(CASZ1):c.823G>A (p.Gly275Ser)

Gene: CASZ1 (castor zinc finger 1; minus strand). Cytogenetic location: 1p36.22.
Variant type: single nucleotide variant.
Coding change: c.823G>A on transcript NM_001079843.3 (MANE Select); coding-DNA position 823, G replaced by A.
Protein change: p.Gly275Ser; replaces glycine 275 with serine.
Molecular consequence: missense variant.
Genome position (GRCh38, 1-based): chr1:10,660,219, C>T on the plus strand (G>A on the coding strand, the complement: CASZ1 is on the minus strand). VCF-style: chr1-10660219-C-T. GRCh37 (hg19) VCF-style: chr1-10720276-C-T.
Other names: c.823G>A, p.Gly275Ser (NM_017766.5); short protein forms G275S.
Identifiers: ClinVar variation 2984891 (VCV002984891.3), dbSNP rs546577003, ClinGen allele CA585307.

ClinVar aggregate classification (germline): Uncertain significance (1 of 4 stars; one submission).

Allele frequency attached by ClinVar (database versions not stated): gnomAD 0.00002; TOPMed 0.00003; 1000 Genomes Project 30x 0.00016; 1000 Genomes Project 0.00020.
gnomAD v4.1: 24 of 1,612,954 alleles (0.0015%); highest among the groups gnomAD compares: South Asian, 0.011%; no homozygotes.

Submission:

Labcorp Genetics (formerly Invitae), Labcorp
Classification: Uncertain significance. Last evaluated: 2023-10-11. Review status: criteria provided, single submitter. Criteria: Invitae Variant Classification Sherloc (09022015). Collection method: clinical testing. Allele origin: germline.
Comment: This sequence change replaces glycine, which is neutral and non-polar, with serine, which is neutral and polar, at codon 275 of the CASZ1 protein (p.Gly275Ser). This variant is present in population databases (rs546577003, gnomAD 0.01%). This variant has not been reported in the literature in individuals affected with CASZ1-related conditions. Algorithms developed to predict the effect of missense changes on protein structure and function output the following: SIFT: "Not Available"; PolyPhen-2: "Benign"; Align-GVGD: "Not Available". The serine amino acid residue is found in multiple mammalian species, which suggests that this missense change does not adversely affect protein function. In summary, the available evidence is currently insufficient to determine the role of this variant in disease. Therefore, it has been classified as a Variant of Uncertain Significance.